The following is an entry in ClinVar:

ClinVar aggregate classification (germline): Uncertain significance. Review status: criteria provided, multiple submitters, no conflicts (2 of 4 stars). 3 submissions from 3 submitters: Uncertain significance (3). Last evaluated 2025-03-03.

Conditions:
Inborn genetic diseases. Identifiers: MedGen C0950123, MeSH D030342.
Hydrocephalus, nonsyndromic, autosomal recessive 1 (HYC1). Also called: Congenital hydrocephalus 1; Hydrocephalus, nonsyndromic, autosomal recessive. Identifiers: Orphanet 2185, MedGen C3887608, MONDO:0009360, OMIM 236600.

Allele frequency attached by ClinVar (database versions not stated): gnomAD 0.00010; TOPMed 0.00011; ExAC 0.00018; ESP Exome Variant Server 0.00024.
gnomAD v4.1: 255 of 1,596,336 alleles (0.016%); highest among the groups gnomAD compares: Non-Finnish European, 0.02%; 1 homozygote.

Submissions (3):

Ambry Genetics
Classification: Uncertain significance for Inborn genetic diseases. Last evaluated: 2025-03-03. Review status: criteria provided, single submitter. Criteria: Ambry Variant Classification Scheme 2023. Collection method: clinical testing. Allele origin: germline.

Labcorp Genetics (formerly Invitae), Labcorp
Classification: Uncertain significance. Last evaluated: 2022-06-05. Review status: criteria provided, single submitter. Criteria: Invitae Variant Classification Sherloc (09022015). Collection method: clinical testing. Allele origin: germline.
Comment: This sequence change replaces arginine, which is basic and polar, with tryptophan, which is neutral and slightly polar, at codon 374 of the CCDC88C protein (p.Arg374Trp). This variant is present in population databases (rs199546216, gnomAD 0.02%). This variant has not been reported in the literature in individuals affected with CCDC88C-related conditions. Algorithms developed to predict the effect of missense changes on protein structure and function are either unavailable or do not agree on the potential impact of this missense change (SIFT: "Deleterious"; PolyPhen-2: "Probably Damaging"; Align-GVGD: "Class C0"). In summary, the available evidence is currently insufficient to determine the role of this variant in disease. Therefore, it has been classified as a Variant of Uncertain Significance.

Neuberg Centre For Genomic Medicine, NCGM
Classification: Uncertain significance for Hydrocephalus, nonsyndromic, autosomal recessive 1. Review status: criteria provided, single submitter. Criteria: ACMG Guidelines, 2015. Collection method: clinical testing. Allele origin: germline. Inheritance: Autosomal recessive inheritance. Affected: yes.
Comment: The missense variant c.1120C>T (p.Arg374Trp) in the CCDC88C gene has not been reported previously as a pathogenic variant nor as a benign variant, to our knowledge. This variant is reported with the allele frequency (0.008%) in the gnomAD Exomes. This variant has been reported to the ClinVar database as Uncertain Significance. However, no details are available for independent assessment. The amino acid Arginine at position 374 is changed to a Tryptophan changing protein sequence and it might alter its composition and physico- chemical properties. The variant is predicted as damaging by SIFT. The amino acid change p.Arg374Trp in CCDC88C is predicted as conserved by GERP++ and PhyloP across 100 vertebrates. For these reasons, this variant has been classified as Uncertain Significance.

NM_001080414.4(CCDC88C):c.1120C>T (p.Arg374Trp)

Gene: CCDC88C (coiled-coil and HOOK domain protein 88C; minus strand). Cytogenetic location: 14q32.11.
Variant type: single nucleotide variant.
Coding change: c.1120C>T on transcript NM_001080414.4 (MANE Select); coding-DNA position 1120, C replaced by T.
Protein change: p.Arg374Trp; replaces arginine 374 with tryptophan.
Molecular consequence: missense variant.
Genome position (GRCh38, 1-based): chr14:91,325,987, G>A on the plus strand (C>T on the coding strand, the complement: CCDC88C is on the minus strand). VCF-style: chr14-91325987-G-A. GRCh37 (hg19) VCF-style: chr14-91792331-G-A.
Other names: c.1120C>T (NM_001080414.3); short protein forms R374W.
Identifiers: ClinVar variation 2183223 (VCV002183223.4), dbSNP rs199546216, ClinGen allele CA7309990.